The following is an entry in ClinVar:

NM_001105206.3(LAMA4):c.5035A>G (p.Arg1679Gly)

Gene: LAMA4 (laminin subunit alpha 4; minus strand). Cytogenetic location: 6q21.
Variant type: single nucleotide variant.
Coding change: c.5035A>G on transcript NM_001105206.3 (MANE Select); coding-DNA position 5035, A replaced by G.
Protein change: p.Arg1679Gly; replaces arginine 1679 with glycine.
Molecular consequence: missense variant.
Genome position (GRCh38, 1-based): chr6:112,115,940, T>C on the plus strand (A>G on the coding strand, the complement: LAMA4 is on the minus strand). VCF-style: chr6-112115940-T-C. GRCh37 (hg19) VCF-style: chr6-112437143-T-C.
Other names: c.5014A>G, p.Arg1672Gly (NM_001105207.3, NM_002290.5); c.5014A>G (LRG_433t2); short protein forms R1672G, R1679G.
Identifiers: ClinVar variation 518848 (VCV000518848.9), dbSNP rs781995760, ClinGen allele CA3964834.

ClinVar aggregate classification (germline): Uncertain significance. Review status: criteria provided, multiple submitters, no conflicts (2 of 4 stars). 2 submissions from 2 submitters: Uncertain significance (2). Last evaluated 2025-07-30.

Conditions:
Cardiovascular phenotype. Identifiers: MedGen CN230736.
Dilated cardiomyopathy 1JJ (CMD1JJ). Identifiers: Orphanet 154, MedGen C3808935, MONDO:0014095, OMIM 615235.

Allele frequency attached by ClinVar (database versions not stated): gnomAD 0.00001; TOPMed 0.00001; ExAC 0.00002; gnomAD exomes 0.00002 and 0.00003.
gnomAD v4.1: 42 of 1,613,406 alleles (0.0026%); highest among the groups gnomAD compares: South Asian, 0.0033%; no homozygotes.

Submissions (2):

Ambry Genetics
Classification: Uncertain significance for Cardiovascular phenotype. Last evaluated: 2025-07-30. Review status: criteria provided, single submitter. Criteria: Ambry Variant Classification Scheme 2023. Collection method: clinical testing. Allele origin: germline.
Comment: The p.R1672G variant (also known as c.5014A>G), located in coding exon 35 of the LAMA4 gene, results from an A to G substitution at nucleotide position 5014. The arginine at codon 1672 is replaced by glycine, an amino acid with dissimilar properties. This amino acid position is highly conserved in available vertebrate species. In addition, this alteration is predicted to be deleterious by in silico analysis. Since supporting evidence is limited at this time, the clinical significance of this alteration remains unclear.

Labcorp Genetics (formerly Invitae), Labcorp
Classification: Uncertain significance for Dilated cardiomyopathy 1JJ. Last evaluated: 2023-09-01. Review status: criteria provided, single submitter. Criteria: Invitae Variant Classification Sherloc (09022015). Collection method: clinical testing. Allele origin: germline.
Comment: This sequence change replaces arginine, which is basic and polar, with glycine, which is neutral and non-polar, at codon 1672 of the LAMA4 protein (p.Arg1672Gly). This variant is present in population databases (rs781995760, gnomAD 0.003%). This missense change has been observed in individual(s) with LAMA4-related conditions (PMID: 29247119). ClinVar contains an entry for this variant (Variation ID: 518848). An algorithm developed to predict the effect of missense changes on protein structure and function (PolyPhen-2) suggests that this variant is likely to be disruptive. In summary, the available evidence is currently insufficient to determine the role of this variant in disease. Therefore, it has been classified as a Variant of Uncertain Significance.

Literature cited by the submitters: PubMed 29247119 (cited by Labcorp Genetics (formerly Invitae), Labcorp).